The following is an entry in ClinVar:

ClinVar aggregate classification (germline): Uncertain significance (1 of 4 stars; one submission).

gnomAD v4.1: 20 of 1,613,928 alleles (0.0012%); highest among the groups gnomAD compares: Non-Finnish European, 0.0016%; no homozygotes.

Submission:

GeneDx
Classification: Uncertain significance. Last evaluated: 2025-06-07. Review status: criteria provided, single submitter. Criteria: GeneDx Variant Classification Process June 2021. Collection method: clinical testing. Allele origin: germline. Affected: yes.
Comment: Not observed at significant frequency in large population cohorts (gnomAD); In silico analysis supports that this missense variant has a deleterious effect on protein structure/function; Has not been previously published as pathogenic or benign to our knowledge

NM_001080442.3(SLC38A8):c.510C>G (p.Ile170Met)

Gene: SLC38A8 (solute carrier family 38 member 8; minus strand). Cytogenetic location: 16q23.3.
Variant type: single nucleotide variant.
Coding change: c.510C>G on transcript NM_001080442.3 (MANE Select); coding-DNA position 510, C replaced by G.
Protein change: p.Ile170Met; replaces isoleucine 170 with methionine.
Molecular consequence: missense variant.
Genome position (GRCh38, 1-based): chr16:84,033,348, G>C on the plus strand (C>G on the coding strand, the complement: SLC38A8 is on the minus strand). VCF-style: chr16-84033348-G-C. GRCh37 (hg19) VCF-style: chr16-84066953-G-C.
Other names: short protein forms I170M.
Identifiers: ClinVar variation 4537979 (VCV004537979.1).